The following is an entry in ClinVar:

ClinVar aggregate classification (germline): Uncertain significance (1 of 4 stars; one submission).

gnomAD v4.1: 5 of 1,596,852 alleles (0.00031%); highest among the groups gnomAD compares: East Asian, 0.0022%; no homozygotes.

Submissions (2):

Labcorp Genetics (formerly Invitae), Labcorp
Classification: Uncertain significance. Last evaluated: 2024-11-03. Review status: criteria provided, single submitter. Criteria: Invitae Variant Classification Sherloc (09022015). Collection method: clinical testing. Allele origin: germline.
Comment: This sequence change falls in intron 42 of the ANK3 gene. It does not directly change the encoded amino acid sequence of the ANK3 protein. It affects a nucleotide within the consensus splice site. This variant is present in population databases (no rsID available, gnomAD 0.004%). This variant has not been reported in the literature in individuals affected with ANK3-related conditions. Variants that disrupt the consensus splice site are a relatively common cause of aberrant splicing (PMID: 17576681, 9536098). Algorithms developed to predict the effect of sequence changes on RNA splicing suggest that this variant may disrupt the consensus splice site. In summary, the available evidence is currently insufficient to determine the role of this variant in disease. Therefore, it has been classified as a Variant of Uncertain Significance.

Dr. Peter K. Rogan Lab, Western University
No classification provided (evidence only). Condition: Uterine corpus endometrial carcinoma. Review status: no classification provided. Collection method: in vitro. Allele origin: not applicable. Functional consequence: retained intron. Not counted in ClinVar's aggregate classification.

Literature cited by the submitters: PubMed 17576681 (cited by Labcorp Genetics (formerly Invitae), Labcorp); PubMed 9536098 (cited by Labcorp Genetics (formerly Invitae), Labcorp).

NM_020987.5(ANK3):c.13065+5G>A

Gene: ANK3 (ankyrin 3; minus strand). Cytogenetic location: 10q21.2.
Variant type: single nucleotide variant.
Coding change: c.13065+5G>A on transcript NM_020987.5 (MANE Select); 5 bases into the intron after coding-DNA position 13065, G replaced by A.
Molecular consequence: intron variant.
Genome position (GRCh38, 1-based): chr10:60,055,653, C>T on the plus strand (G>A on the coding strand, the complement: ANK3 is on the minus strand). VCF-style: chr10-60055653-C-T. GRCh37 (hg19) VCF-style: chr10-61815411-C-T.
Other names: c.5517+5G>A (NM_001204403.2); c.5538+5G>A (NM_001204404.2); c.5535+5G>A (NM_001320874.2); c.2937+5G>A (NM_001149.4).
Identifiers: ClinVar variation 3616790 (VCV003616790.3).